The following is an entry in ClinVar:

NM_006593.4(TBR1):c.1771G>C (p.Ala591Pro)

Gene: TBR1 (T-box brain transcription factor 1; plus strand). Cytogenetic location: 2q24.2.
Variant type: single nucleotide variant.
Coding change: c.1771G>C on transcript NM_006593.4 (MANE Select); coding-DNA position 1771, G replaced by C.
Protein change: p.Ala591Pro; replaces alanine 591 with proline.
Molecular consequence: missense variant.
Genome position (GRCh38, 1-based): chr2:161,423,949, G>C. VCF-style: chr2-161423949-G-C. GRCh37 (hg19) VCF-style: chr2-162280460-G-C.
Other names: short protein forms A591P.
Identifiers: ClinVar variation 1779809 (VCV001779809.2), dbSNP rs1489503769, ClinGen allele CA349214427.
Genomic context (GRCh38, chr2:161,423,949, plus strand): 5'-GCCGCCGCGCGCATGGCCGGCGCCAATCCCTACCTGGGCGAGGAGGCCGAGGGCCTGGCC[G>C]CCGAGCGCTCGCCGCTGCCGCCCGGCGCCGCCGAGGACGCCAAGCCCAAGGACCTGTCCG-3'
Protein context (NP_006584.1, residues 581-601): YLGEEAEGLA[Ala591Pro]ERSPLPPGAA

ClinVar aggregate classification (germline): Uncertain significance (1 of 4 stars; one submission).

Conditions:
Inborn genetic diseases. Identifiers: MedGen C0950123, MeSH D030342.

Submission:

Ambry Genetics
Classification: Uncertain significance for Inborn genetic diseases. Last evaluated: 2019-09-21. Review status: criteria provided, single submitter. Criteria: Ambry Variant Classification Scheme 2023. Collection method: clinical testing. Allele origin: germline.
Comment: The p.A591P variant (also known as c.1771G>C), located in coding exon 6 of the TBR1 gene, results from a G to C substitution at nucleotide position 1771. The alanine at codon 591 is replaced by proline, an amino acid with highly similar properties. This amino acid position is not well conserved in available vertebrate species. In addition, this alteration is predicted to be tolerated by in silico analysis. Since supporting evidence is limited at this time, the clinical significance of this alteration remains unclear.